The following is an entry in ClinVar:

ClinVar aggregate classification (germline): Uncertain significance (1 of 4 stars; one submission).

Conditions:
Combined immunodeficiency with skin granulomas. Identifiers: Orphanet 157949, MedGen C2673536, MONDO:0009306, OMIM 233650.

gnomAD v4.1: 1 of 1,601,168 alleles (0.000062%); highest among the groups gnomAD compares: African/African-American, 0.0014%; no homozygotes.

Submission:

Johns Hopkins Genomics, Johns Hopkins University
Classification: Uncertain significance for Combined immunodeficiency with skin granulomas. Last evaluated: 2025-01-06. Review status: criteria provided, single submitter. Criteria: ACMG Guidelines, 2015. Collection method: clinical testing. Allele origin: germline.
Comment: This missense variant (rs1730916873) is rare (<0.1%) in a large population dataset (gnomAD v4.1.0: 1/1601168 total alleles, 0.00006%, 0 homozygotes), but has not been reported in ClinVar nor the literature, to our knowledge. Two bioinformatic tools predict that this substitution would likely be tolerated in the protein. The proline residue at this position is evolutionary conserved across most species assessed. We consider the clinical significance of RBPJ c.37C>G to be uncertain at this time.

Literature cited by the submitters: PubMed 15466160; PubMed 17721509; PubMed 28160419.

NM_015874.6(RBPJ):c.37C>G (p.Pro13Ala)

Gene: RBPJ (recombination signal binding protein for immunoglobulin kappa J region; plus strand). Cytogenetic location: 4p15.2.
Variant type: single nucleotide variant.
Coding change: c.37C>G on transcript NM_015874.6 (MANE Select); coding-DNA position 37, C replaced by G.
Protein change: p.Pro13Ala; replaces proline 13 with alanine.
Molecular consequence: missense variant. On other transcripts: 5 prime UTR variant (2).
Genome position (GRCh38, 1-based): chr4:26,386,369, C>G. VCF-style: chr4-26386369-C-G. GRCh37 (hg19) VCF-style: chr4-26387991-C-G.
Other names: c.-30C>G (NM_001363577.2, NM_203283.5); c.76C>G, p.Pro26Ala (NM_001374400.1, NM_001379408.1, NM_005349.4); c.34C>G, p.Pro12Ala (NM_001374401.1, NM_001374402.1, NM_001374403.1 and 3 more transcripts); c.31C>G, p.Pro11Ala (NM_001379409.1); short protein forms P11A, P12A, P13A, P26A.
Identifiers: ClinVar variation 4280120 (VCV004280120.1).